The following is an entry in ClinVar:

ClinVar aggregate classification (germline): Uncertain significance. Review status: criteria provided, multiple submitters, no conflicts (2 of 4 stars). 3 submissions from 3 submitters: Uncertain significance (2). 1 of the submissions does not count toward it. Last evaluated 2025-05-19.

Conditions:
Cardiomyopathy (CMYO). Also called: Cardiomyopathies. Identifiers: Orphanet 167848, MedGen C0878544, MONDO:0004994, HP:0001638. Inheritance: Various modes of inheritance.
Duchenne muscular dystrophy (DMD). Also called: MUSCULAR DYSTROPHY, PSEUDOHYPERTROPHIC PROGRESSIVE, DUCHENNE TYPE; Duchenne Muscular Dystrophy (DMD). Identifiers: Orphanet 98896, MedGen C0013264, MONDO:0010679, OMIM 310200.
Becker muscular dystrophy (BMD). Also called: MUSCULAR DYSTROPHY, PSEUDOHYPERTROPHIC PROGRESSIVE, BECKER TYPE; Becker Muscular Dystrophy (BMD). Identifiers: Orphanet 98895, MedGen C0917713, MONDO:0010311, OMIM 300376.
Dystrophin deficiency.

Allele frequency attached by ClinVar (database versions not stated): ExAC 0.00001; gnomAD 0.00001 and 0.00002; gnomAD exomes 0.00001 and below 0.00001; TOPMed 0.00002; 1000 Genomes Project 30x 0.00021; 1000 Genomes Project 0.00026.
gnomAD v4.1: 5 of 1,205,192 alleles (0.00041%); highest among the groups gnomAD compares: African/African-American, 0.0053%; no homozygotes.

Submissions (3):

Labcorp Genetics (formerly Invitae), Labcorp
Classification: Uncertain significance for Duchenne muscular dystrophy. Last evaluated: 2025-05-19. Review status: criteria provided, single submitter. Criteria: Invitae Variant Classification Sherloc (09022015). Collection method: clinical testing. Allele origin: germline.
Comment: This sequence change replaces glycine, which is neutral and non-polar, with valine, which is neutral and non-polar, at codon 1154 of the DMD protein (p.Gly1154Val). This variant is present in population databases (rs774624660, gnomAD 0.008%). This variant has not been reported in the literature in individuals affected with DMD-related conditions. ClinVar contains an entry for this variant (Variation ID: 596693). Invitae Evidence Modeling of protein sequence and biophysical properties (such as structural, functional, and spatial information, amino acid conservation, physicochemical variation, residue mobility, and thermodynamic stability) indicates that this missense variant is not expected to disrupt DMD protein function with a negative predictive value of 95%. In summary, the available evidence is currently insufficient to determine the role of this variant in disease. Therefore, it has been classified as a Variant of Uncertain Significance.

Eurofins Ntd Llc (ga)
Classification: Uncertain significance. Last evaluated: 2018-04-02. Review status: criteria provided, single submitter. Criteria: EGL ClinVar v180209 classification definitions. Collection method: clinical testing. Allele origin: germline. Observed: 1 variant allele, 1 hemizygote.

Natera, Inc.
Classification: Uncertain significance for Becker muscular dystrophy; Cardiomyopathy; Duchenne muscular dystrophy; Dystrophin deficiency. Last evaluated: 2020-05-22. Review status: no assertion criteria provided. Collection method: clinical testing. Allele origin: germline. Not counted in ClinVar's aggregate classification.

NM_004006.3(DMD):c.3461G>T (p.Gly1154Val)

Gene: DMD (dystrophin; minus strand). Cytogenetic location: Xp21.1.
Variant type: single nucleotide variant.
Coding change: c.3461G>T on transcript NM_004006.3 (MANE Select); coding-DNA position 3461, G replaced by T.
Protein change: p.Gly1154Val; replaces glycine 1154 with valine.
Molecular consequence: missense variant.
Genome position (GRCh38, 1-based): chrX:32,454,804, C>A on the plus strand (G>T on the coding strand, the complement: DMD is on the minus strand). VCF-style: chrX-32454804-C-A. GRCh37 (hg19) VCF-style: chrX-32472921-C-A.
Other names: c.3437G>T, p.Gly1146Val (NM_000109.4); c.3449G>T, p.Gly1150Val (NM_004009.3); c.3092G>T, p.Gly1031Val (NM_004010.3); short protein forms G1154V, G1031V, G1146V, G1150V.
Identifiers: ClinVar variation 596693 (VCV000596693.14), dbSNP rs774624660, ClinGen allele CA10379262.